The following is an entry in ClinVar:

ClinVar aggregate classification (germline): Uncertain significance (1 of 4 stars; one submission).

Conditions:
Familial chronic mucocutaneous candidiasis (CANDF4). Also called: Candidiasis, familial, 4; Candidiasis familial chronic mucocutaneous, autosomal recessive; Candidiasis, familial, 4, autosomal recessive. Identifiers: Orphanet 1334, MedGen C0341024, MONDO:0013140, OMIM 613108.

Submission:

Baylor Genetics
Classification: Uncertain significance for Familial chronic mucocutaneous candidiasis. Last evaluated: 2019-07-23. Review status: criteria provided, single submitter. Criteria: ACMG Guidelines, 2015. Collection method: clinical testing. Allele origin: unknown. Affected: yes.
Comment: This variant was determined to be of uncertain significance according to ACMG Guidelines, 2015 [PMID:25741868].

NM_197947.3(CLEC7A):c.536T>C (p.Phe179Ser)

Gene: CLEC7A (C-type lectin domain containing 7A; minus strand). Cytogenetic location: 12p13.2.
Variant type: single nucleotide variant.
Coding change: c.536T>C on transcript NM_197947.3 (MANE Select); coding-DNA position 536, T replaced by C.
Protein change: p.Phe179Ser; replaces phenylalanine 179 with serine.
Molecular consequence: missense variant. On other transcripts: non-coding transcript variant (1), intron variant (2).
Genome position (GRCh38, 1-based): chr12:10,123,320, A>G on the plus strand (T>C on the coding strand, the complement: CLEC7A is on the minus strand). VCF-style: chr12-10123320-A-G. GRCh37 (hg19) VCF-style: chr12-10275919-A-G.
Other names: c.398T>C, p.Phe133Ser (NM_022570.5); c.299T>C, p.Phe100Ser (NM_197950.3); c.354+1977T>C (NM_197949.3); c.492+1977T>C (NM_197948.3); short protein forms F133S, F179S, F100S.
Identifiers: ClinVar variation 1028772 (VCV001028772.1), dbSNP rs1948157159, ClinGen allele CA383872060.